The following is an entry in ClinVar:

ClinVar aggregate classification (germline): Pathogenic (1 of 4 stars; one submission).

Submission:

Labcorp Genetics (formerly Invitae), Labcorp
Classification: Pathogenic. Last evaluated: 2020-01-30. Review status: criteria provided, single submitter. Criteria: Invitae Variant Classification Sherloc (09022015). Collection method: clinical testing. Allele origin: germline.
Comment: Loss-of-function variants in CPOX are known to be pathogenic (PMID: 9888388). For these reasons, this variant has been classified as Pathogenic. This variant has not been reported in the literature in individuals with CPOX-related conditions. This sequence change creates a premature translational stop signal (p.Gln29Glyfs*109) in the CPOX gene. It is expected to result in an absent or disrupted protein product. The frequency data for this variant in the population databases is considered unreliable, as metrics indicate insufficient coverage at this position in the ExAC database.

Literature cited by the submitters: PubMed 9888388.

NM_000097.7(CPOX):c.79_83dup (p.Gln29fs)

Genes: CPOX (coproporphyrinogen oxidase; minus strand), LOC129937121 (ATAC-STARR-seq lymphoblastoid silent region 14560; plus strand). Cytogenetic location: 3q11.2.
Variant type: Duplication.
Coding change: c.79_83dup on transcript NM_000097.7 (MANE Select); coding-DNA positions 79 to 83, 5 bases duplicated (TGGTC; older notation c.79_83dupTGGTC).
Protein change: p.Gln29fs; shifts the reading frame from glutamine 29.
Molecular consequence: frameshift variant.
Genome position (GRCh38, 1-based): chr3:98,593,422-98,593,426, GACCA duplicated on the plus strand (TGGTC on the coding strand, the reverse complement: CPOX is on the minus strand); duplicating any 5 consecutive bases within chr3:98,593,422-98,593,427 gives the same sequence; the c. name uses the placement nearest the transcript's 3' end. VCF-style (leftmost placement, unchanged base first): chr3-98593421-G-GGACCA. GRCh37 (hg19) VCF-style: chr3-98312265-G-GGACCA.
Other names: short protein forms Q29fs.
Identifiers: ClinVar variation 1074990 (VCV001074990.5), dbSNP rs2107137264, ClinGen allele CA2499217004.